The following is an entry in ClinVar:

ClinVar aggregate classification (germline): Uncertain significance (1 of 4 stars; one submission).

Submission:

Labcorp Genetics (formerly Invitae), Labcorp
Classification: Uncertain significance. Last evaluated: 2023-04-13. Review status: criteria provided, single submitter. Criteria: Invitae Variant Classification Sherloc (09022015). Collection method: clinical testing. Allele origin: germline.
Comment: This variant has not been reported in the literature in individuals affected with COL2A1-related conditions. In summary, the available evidence is currently insufficient to determine the role of this variant in disease. Therefore, it has been classified as a Variant of Uncertain Significance. Advanced modeling of protein sequence and biophysical properties (such as structural, functional, and spatial information, amino acid conservation, physicochemical variation, residue mobility, and thermodynamic stability) performed at Invitae indicates that this missense variant is expected to disrupt COL2A1 protein function. This variant is not present in population databases (gnomAD no frequency). This sequence change replaces aspartic acid, which is acidic and polar, with glycine, which is neutral and non-polar, at codon 584 of the COL2A1 protein (p.Asp584Gly).

NM_001844.5(COL2A1):c.1751A>G (p.Asp584Gly)

Gene: COL2A1 (collagen type II alpha 1 chain; minus strand). Cytogenetic location: 12q13.11.
Variant type: single nucleotide variant.
Coding change: c.1751A>G on transcript NM_001844.5 (MANE Select); coding-DNA position 1751, A replaced by G.
Protein change: p.Asp584Gly; replaces aspartic acid 584 with glycine.
Molecular consequence: missense variant.
Genome position (GRCh38, 1-based): chr12:47,985,077, T>C on the plus strand (A>G on the coding strand, the complement: COL2A1 is on the minus strand). VCF-style: chr12-47985077-T-C. GRCh37 (hg19) VCF-style: chr12-48378860-T-C.
Other names: c.1544A>G, p.Asp515Gly (NM_033150.3); short protein forms D584G, D515G.
Identifiers: ClinVar variation 2855882 (VCV002855882.3), dbSNP rs2540144815, ClinGen allele CA384550760.